The following is an entry in ClinVar:

ClinVar aggregate classification (germline): Uncertain significance (1 of 4 stars; one submission).

gnomAD v4.1: 2 of 1,614,172 alleles (0.00012%); highest among the groups gnomAD compares: Middle Eastern, 0.033%; no homozygotes.

Submission:

Labcorp Genetics (formerly Invitae), Labcorp
Classification: Uncertain significance. Last evaluated: 2022-08-23. Review status: criteria provided, single submitter. Criteria: Invitae Variant Classification Sherloc (09022015). Collection method: clinical testing. Allele origin: germline.
Comment: This sequence change replaces valine, which is neutral and non-polar, with isoleucine, which is neutral and non-polar, at codon 603 of the POLR3A protein (p.Val603Ile). This variant is not present in population databases (gnomAD no frequency). This variant has not been reported in the literature in individuals affected with POLR3A-related conditions. ClinVar contains an entry for this variant (Variation ID: 1504050). Algorithms developed to predict the effect of missense changes on protein structure and function output the following: SIFT: "Tolerated"; PolyPhen-2: "Benign"; Align-GVGD: "Class C0". The isoleucine amino acid residue is found in multiple mammalian species, which suggests that this missense change does not adversely affect protein function. In summary, the available evidence is currently insufficient to determine the role of this variant in disease. Therefore, it has been classified as a Variant of Uncertain Significance.

NM_007055.4(POLR3A):c.1807G>A (p.Val603Ile)

Gene: POLR3A (RNA polymerase III subunit A; minus strand). Cytogenetic location: 10q22.3.
Variant type: single nucleotide variant.
Coding change: c.1807G>A on transcript NM_007055.4 (MANE Select); coding-DNA position 1807, G replaced by A.
Protein change: p.Val603Ile; replaces valine 603 with isoleucine.
Molecular consequence: missense variant.
Genome position (GRCh38, 1-based): chr10:78,009,639, C>T on the plus strand (G>A on the coding strand, the complement: POLR3A is on the minus strand). VCF-style: chr10-78009639-C-T. GRCh37 (hg19) VCF-style: chr10-79769397-C-T.
Other names: short protein forms V603I.
Identifiers: ClinVar variation 1504050 (VCV001504050.8), dbSNP rs2131949306, ClinGen allele CA377340809.